The following is an entry in ClinVar:

NM_000642.3(AGL):c.2520_2524dup (p.Pro842fs)

Gene: AGL (amylo-alpha-1,6-glucosidase and 4-alpha-glucanotransferase; plus strand). Cytogenetic location: 1p21.2.
Variant type: Duplication.
Coding change: c.2520_2524dup on transcript NM_000642.3 (MANE Select); coding-DNA positions 2520 to 2524, 5 bases duplicated (GTCTC; older notation c.2520_2524dupGTCTC).
Protein change: p.Pro842fs; shifts the reading frame from proline 842.
Molecular consequence: frameshift variant.
Genome position (GRCh38, 1-based): chr1:99,884,425-99,884,429, GTCTC duplicated. VCF-style (leftmost placement, unchanged base first): chr1-99884424-T-TGTCTC. GRCh37 (hg19) VCF-style: chr1-100349980-T-TGTCTC.
Other names: c.2520_2524dup, p.Pro842Argfs (NM_000028.3, NM_000643.3, NM_000644.3 and 2 more transcripts); c.2472_2476dup, p.Pro826Argfs (NM_000646.3); c.2319_2323dup, p.Pro775Argfs (NM_001425327.1); c.2316_2320dup, p.Pro774Argfs (NM_001425328.1, NM_001425329.1); c.2142_2146dup, p.Pro716Argfs (NM_001425332.1); short protein forms P826fs, P842fs.
Identifiers: ClinVar variation 1438378 (VCV001438378.8), dbSNP rs759727721, ClinGen allele CA966805.

ClinVar aggregate classification (germline): Pathogenic/Likely pathogenic. Review status: criteria provided, multiple submitters, no conflicts (2 of 4 stars). 2 submissions from 2 submitters: Pathogenic (1); Likely pathogenic (1). Last evaluated 2021-10-17.

Conditions:
Glycogen storage disease type III (GSD3). Also called: Cori disease; FORBES DISEASE. Identifiers: Orphanet 366, MedGen C0017922, MONDO:0009291, OMIM 232400.

Allele frequency attached by ClinVar (database versions not stated): gnomAD exomes below 0.00001; ExAC 0.00001; gnomAD 0.00001.

Submissions (2):

Labcorp Genetics (formerly Invitae), Labcorp
Classification: Pathogenic for Glycogen storage disease type III. Last evaluated: 2021-10-17. Review status: criteria provided, single submitter. Criteria: Invitae Variant Classification Sherloc (09022015). Collection method: clinical testing. Allele origin: germline.
Comment: This sequence change creates a premature translational stop signal (p.Pro842Argfs*28) in the AGL gene. It is expected to result in an absent or disrupted protein product. Loss-of-function variants in AGL are known to be pathogenic (PMID: 19299494). For these reasons, this variant has been classified as Pathogenic. This variant is also known as c.2524dupGTCTC (p.Leu867X). This premature translational stop signal has been observed in individual(s) with glycogen storage disease III (PMID: 19951495, 26984562). In at least one individual the data is consistent with the variant being in trans (on the opposite chromosome) from a pathogenic variant. This variant is present in population databases (rs759727721, ExAC 0.01%).

Juno Genomics, Hangzhou Juno Genomics, Inc
Classification: Likely pathogenic for Glycogen storage disease type III. Review status: criteria provided, single submitter. Criteria: ACMG Guidelines, 2015. Collection method: clinical testing. Allele origin: germline.
Comment: Null variant in a gene where loss of function (LOF) is a known mechanism of disease.;Absent from controls (or at extremely low frequency if recessive) in Genome Aggregation Database.

Literature cited by the submitters: PubMed 19299494 (cited by Labcorp Genetics (formerly Invitae), Labcorp); PubMed 19951495 (cited by Labcorp Genetics (formerly Invitae), Labcorp); PubMed 26984562 (cited by Labcorp Genetics (formerly Invitae), Labcorp).